The following is an entry in ClinVar:

ClinVar aggregate classification (germline): Benign/Likely benign. Review status: criteria provided, multiple submitters, no conflicts (2 of 4 stars). 10 submissions from 10 submitters: Benign (1); Likely benign (6). 3 of the submissions do not count toward it. Last evaluated 2026-01-28.

Conditions:
DSC2-related disorder. Also called: DSC2-related condition.
Cardiovascular phenotype. Identifiers: MedGen CN230736.
Arrhythmogenic right ventricular dysplasia 11. Also called: Arrhythmogenic right ventricular dysplasia 11 with mild palmoplantar keratoderma and woolly hair; Arrhythmogenic Right Ventricular Dysplasia/Cardiomyopathy11; ARRHYTHMOGENIC RIGHT VENTRICULAR DYSPLASIA, FAMILIAL, 11. Identifiers: MedGen C1864850, MONDO:0012506, OMIM 610476.
Cardiomyopathy (CMYO). Also called: Cardiomyopathies. Identifiers: Orphanet 167848, MedGen C0878544, MONDO:0004994, HP:0001638. Inheritance: Various modes of inheritance.

Allele frequency attached by ClinVar (database versions not stated): gnomAD exomes 0.00004 and 0.00016; ExAC 0.00018; gnomAD 0.00060 and 0.00068; TOPMed 0.00070; 1000 Genomes Project 30x 0.00016; ESP Exome Variant Server 0.00092.
gnomAD v4.1: 148 of 1,614,014 alleles (0.0092%); highest among the groups gnomAD compares: African/African-American, 0.18%; no homozygotes.

Submissions (10):

Labcorp Genetics (formerly Invitae), Labcorp
Classification: Likely benign for Arrhythmogenic right ventricular dysplasia 11. Last evaluated: 2026-01-28. Review status: criteria provided, single submitter. Criteria: Invitae Variant Classification Sherloc (09022015). Collection method: clinical testing. Allele origin: germline.

Women's Health and Genetics/Laboratory Corporation of America, LabCorp
Classification: Likely benign. Last evaluated: 2025-06-09. Review status: criteria provided, single submitter. Criteria: LabCorp Variant Classification Summary - May 2015. Collection method: clinical testing. Allele origin: germline.
Comment: Variant summary: DSC2 c.1789G>T (p.Val597Phe) results in a non-conservative amino acid change in the encoded protein sequence. Algorithms developed to predict the effect of missense changes on protein structure and function are either unavailable or do not agree on the potential impact of this missense change. The variant allele was found at a frequency of 0.00016 in 251108 control chromosomes, predominantly at a frequency of 0.0022 within the African or African-American subpopulation in the gnomAD database. The observed variant frequency within African or African-American control individuals in the gnomAD database is approximately 14 fold of the estimated maximal expected allele frequency for a pathogenic variant in DSC2 causing Arrhythmogenic Right Ventricular Dysplasia/Cardiomyopathy phenotype (0.00016). c.1789G>T has been reported in the literature in individuals affected with sudden cardiac death and was evaluated as a benign variant (Campuzano_2014). These report(s) do not provide unequivocal conclusions about association of the variant with Arrhythmogenic Right Ventricular Dysplasia/Cardiomyopathy. To our knowledge, no experimental evidence demonstrating an impact on protein function has been reported. The following publication have been ascertained in the context of this evaluation (PMID: 25447171). ClinVar contains an entry for this variant (Variation ID: 199784). Based on the evidence outlined above, the variant was classified as likely benign.

Molecular Diagnostic Laboratory for Inherited Cardiovascular Disease, Montreal Heart Institute
Classification: Likely benign. Last evaluated: 2025-04-08. Review status: criteria provided, single submitter. Criteria: ACMG Guidelines, 2015. Collection method: clinical testing. Allele origin: germline. Affected: no.
Comment: BS1;BP5;BP6

Color Diagnostics, LLC DBA Color Health
Classification: Benign for Cardiomyopathy. Last evaluated: 2024-08-27. Review status: criteria provided, single submitter. Criteria: ACMG Guidelines, 2015. Collection method: clinical testing. Allele origin: germline.

ARUP Laboratories, Molecular Genetics and Genomics, ARUP Laboratories
Classification: Likely benign. Last evaluated: 2024-03-21. Review status: criteria provided, single submitter. Criteria: ARUP Molecular Germline Variant Investigation Process 2024. Collection method: clinical testing. Allele origin: germline.

Ambry Genetics
Classification: Likely benign for Cardiovascular phenotype. Last evaluated: 2019-03-04. Review status: criteria provided, single submitter. Criteria: Ambry Variant Classification Scheme 2023. Collection method: clinical testing. Allele origin: germline.

GeneDx
Classification: Likely benign. Last evaluated: 2017-05-31. Review status: criteria provided, single submitter. Criteria: GeneDx Variant Classification (06012015). Collection method: clinical testing. Allele origin: germline. Affected: yes.
Comment: This variant is considered likely benign or benign based on one or more of the following criteria: it is a conservative change, it occurs at a poorly conserved position in the protein, it is predicted to be benign by multiple in silico algorithms, and/or has population frequency not consistent with disease.

PreventionGenetics, part of Exact Sciences
Classification: Likely benign for DSC2-related condition. Last evaluated: 2023-12-20. Review status: no assertion criteria provided. Collection method: clinical testing. Allele origin: germline. Not counted in ClinVar's aggregate classification.
Comment: This variant is classified as likely benign based on ACMG/AMP sequence variant interpretation guidelines (Richards et al. 2015 PMID: 25741868, with internal and published modifications).

Clinical Genetics DNA and cytogenetics Diagnostics Lab, Erasmus MC, Erasmus Medical Center
Classification: Likely benign. Review status: no assertion criteria provided. Collection method: clinical testing. Allele origin: germline. Affected: yes. Study: VKGL Data-share Consensus. Not counted in ClinVar's aggregate classification.

Clinical Genetics, Academic Medical Center
Classification: Likely benign. Review status: no assertion criteria provided. Collection method: clinical testing. Allele origin: germline. Affected: yes. Study: VKGL Data-share Consensus. Not counted in ClinVar's aggregate classification.

Literature cited by the submitters: PubMed 25447171 (cited by Women's Health and Genetics/Laboratory Corporation of America, LabCorp and Ambry Genetics).

NM_024422.6(DSC2):c.1789G>T (p.Val597Phe)

Gene: DSC2 (desmocollin 2; minus strand). Cytogenetic location: 18q12.1.
Variant type: single nucleotide variant.
Coding change: c.1789G>T on transcript NM_024422.6 (MANE Select); coding-DNA position 1789, G replaced by T.
Protein change: p.Val597Phe; replaces valine 597 with phenylalanine.
Molecular consequence: missense variant.
Genome position (GRCh38, 1-based): chr18:31,074,782, C>A on the plus strand (G>T on the coding strand, the complement: DSC2 is on the minus strand). VCF-style: chr18-31074782-C-A. GRCh37 (hg19) VCF-style: chr18-28654748-C-A.
Other names: p.V597F:GTT>TTT; c.1789G>T, p.Val597Phe (NM_004949.5); short protein forms V597F.
Identifiers: ClinVar variation 199784 (VCV000199784.28), dbSNP rs143040393, ClinGen allele CA022571.